The following is an entry in ClinVar:

NM_000059.4(BRCA2):c.5224A>C (p.Asn1742His)

Gene: BRCA2 (BRCA2 DNA repair associated; plus strand). Cytogenetic location: 13q13.1.
Variant type: single nucleotide variant.
Coding change: c.5224A>C on transcript NM_000059.4 (MANE Select); coding-DNA position 5224, A replaced by C.
Protein change: p.Asn1742His; replaces asparagine 1742 with histidine.
Molecular consequence: missense variant. On other transcripts: non-coding transcript variant (1), intron variant (2).
Genome position (GRCh38, 1-based): chr13:32,339,579, A>C. VCF-style: chr13-32339579-A-C. GRCh37 (hg19) VCF-style: chr13-32913716-A-C.
Other names: c.5224A>C, p.Asn1742His (NM_001406719.1, NM_001406720.1, NM_001432077.1); c.1910-4979A>C (NM_001406721.1); c.425-4979A>C (NM_001406722.1); short protein forms N1742H.
Identifiers: ClinVar variation 3605589 (VCV003605589.2).

ClinVar aggregate classification (germline): Uncertain significance (1 of 4 stars; one submission).

Conditions:
Hereditary breast ovarian cancer syndrome. Also called: Hereditary breast and ovarian cancer syndrome; Hereditary breast and ovarian cancer; Hereditary breast and ovarian cancer syndrome (HBOC); Hereditary breast and/or ovarian cancer syndrome; Breast and ovarian cancer; BRCA1- and BRCA2-Associated Hereditary Breast and Ovarian Cancer. Identifiers: Orphanet 145, MedGen C0677776, MeSH D061325, MONDO:0003582. Disease mechanism: loss of function.

Submission:

Labcorp Genetics (formerly Invitae), Labcorp
Classification: Uncertain significance for Hereditary breast ovarian cancer syndrome. Last evaluated: 2024-12-26. Review status: criteria provided, single submitter. Criteria: Invitae Variant Classification Sherloc (09022015). Collection method: clinical testing. Allele origin: germline.
Comment: This sequence change replaces asparagine, which is neutral and polar, with histidine, which is basic and polar, at codon 1742 of the BRCA2 protein (p.Asn1742His). This variant is not present in population databases (gnomAD no frequency). This variant has not been reported in the literature in individuals affected with BRCA2-related conditions. Invitae Evidence Modeling of protein sequence and biophysical properties (such as structural, functional, and spatial information, amino acid conservation, physicochemical variation, residue mobility, and thermodynamic stability) indicates that this missense variant is not expected to disrupt BRCA2 protein function with a negative predictive value of 95%. In summary, the available evidence is currently insufficient to determine the role of this variant in disease. Therefore, it has been classified as a Variant of Uncertain Significance.